The following is an entry in ClinVar:

ClinVar aggregate classification (germline): Uncertain significance (1 of 4 stars; one submission).

Conditions:
Hermansky-Pudlak syndrome 2 (HPS2). Also called: Platelet defects and oculocutaneous albinism. Identifiers: Orphanet 183678, Orphanet 79430, MedGen C1842362, MONDO:0011997, OMIM 608233.

Allele frequency attached by ClinVar (database versions not stated): gnomAD exomes below 0.00001; TOPMed below 0.00001; gnomAD 0.00001.
gnomAD v4.1: 3 of 1,611,518 alleles (0.00019%); highest among the groups gnomAD compares: Middle Eastern, 0.016%; no homozygotes.

Submission:

Labcorp Genetics (formerly Invitae), Labcorp
Classification: Uncertain significance for Hermansky-Pudlak syndrome 2. Last evaluated: 2021-12-03. Review status: criteria provided, single submitter. Criteria: Invitae Variant Classification Sherloc (09022015). Collection method: clinical testing. Allele origin: germline.
Comment: This sequence change replaces aspartic acid, which is acidic and polar, with glutamic acid, which is acidic and polar, at codon 56 of the AP3B1 protein (p.Asp56Glu). This variant is not present in population databases (gnomAD no frequency). This variant has not been reported in the literature in individuals affected with AP3B1-related conditions. Algorithms developed to predict the effect of missense changes on protein structure and function (SIFT, PolyPhen-2, Align-GVGD) all suggest that this variant is likely to be tolerated. In summary, the available evidence is currently insufficient to determine the role of this variant in disease. Therefore, it has been classified as a Variant of Uncertain Significance.

NM_003664.5(AP3B1):c.168T>A (p.Asp56Glu)

Gene: AP3B1 (adaptor related protein complex 3 subunit beta 1; minus strand). Cytogenetic location: 5q14.1.
Variant type: single nucleotide variant.
Coding change: c.168T>A on transcript NM_003664.5 (MANE Select); coding-DNA position 168, T replaced by A.
Protein change: p.Asp56Glu; replaces aspartic acid 56 with glutamic acid.
Molecular consequence: missense variant.
Genome position (GRCh38, 1-based): chr5:78,267,556, A>T on the plus strand (T>A on the coding strand, the complement: AP3B1 is on the minus strand). VCF-style: chr5-78267556-A-T. GRCh37 (hg19) VCF-style: chr5-77563380-A-T.
Other names: c.21T>A, p.Asp7Glu (NM_001271769.2); short protein forms D7E, D56E.
Identifiers: ClinVar variation 1492116 (VCV001492116.6), dbSNP rs1274489549, ClinGen allele CA360334099.